The following is an entry in ClinVar:

ClinVar aggregate classification (germline): Pathogenic (1 of 4 stars; one submission).

Submission:

GeneDx
Classification: Pathogenic. Last evaluated: 2018-05-23. Review status: criteria provided, single submitter. Criteria: GeneDx Variant Classification (06012015). Collection method: clinical testing. Allele origin: germline. Affected: yes.
Comment: The G820R variant in the GRIN2B gene has not been reported previously as a pathogenic variant nor as a benign variant, to our knowledge. However, multiple missense variants at this same codon (G820A, G820E, and G820V) have been identified in individuals with GRIN2B-related disorders previously tested at GeneDx and reported in the literature (Deciphering Developmental Disorders Study, 2017; Platzer et al., 2017; Yoo et al., 2017; Hamdan et al., 2014). The G820R variant is not observed in large population cohorts (Lek et al., 2016). The G820R variant is a non-conservative amino acid substitution, which is likely to impact secondary protein structure as these residues differ in polarity, charge, size and/or other properties. In silico analyses, including protein predictors and evolutionary conservation, support a deleterious effect. The G820R variant occurs within the M4 domain (Swanger et al., 2016). We interpret G820R as a pathogenic variant.

NM_000834.5(GRIN2B):c.2458G>C (p.Gly820Arg)

Gene: GRIN2B (glutamate ionotropic receptor NMDA type subunit 2B; minus strand). Cytogenetic location: 12p13.1.
Variant type: single nucleotide variant.
Coding change: c.2458G>C on transcript NM_000834.5 (MANE Select); coding-DNA position 2458, G replaced by C.
Protein change: p.Gly820Arg; replaces glycine 820 with arginine.
Molecular consequence: missense variant.
Genome position (GRCh38, 1-based): chr12:13,567,165, C>G on the plus strand (G>C on the coding strand, the complement: GRIN2B is on the minus strand). VCF-style: chr12-13567165-C-G. GRCh37 (hg19) VCF-style: chr12-13720099-C-G.
Other names: short protein forms G820R.
Identifiers: ClinVar variation 546296 (VCV000546296.2), dbSNP rs1555103150, ClinGen allele CA383996390.